The following is an entry in ClinVar:

ClinVar aggregate classification (germline): Uncertain significance (1 of 4 stars; one submission).

Conditions:
Familial hemophagocytic lymphohistiocytosis 2 (FHL2). Also called: PRF1-Related Familial Hemophagocytic Lymphohistiocytosis (PRF1-fHLH). Identifiers: Orphanet 540, MedGen C1863727, MONDO:0011337, OMIM 603553.

Allele frequency attached by ClinVar (database versions not stated): gnomAD exomes below 0.00001; TOPMed below 0.00001; ExAC 0.00001; gnomAD 0.00001.
gnomAD v4.1: 6 of 1,614,068 alleles (0.00037%); highest among the groups gnomAD compares: Non-Finnish European, 0.00042%; no homozygotes.

Submission:

Labcorp Genetics (formerly Invitae), Labcorp
Classification: Uncertain significance for Familial hemophagocytic lymphohistiocytosis 2. Last evaluated: 2021-09-01. Review status: criteria provided, single submitter. Criteria: Invitae Variant Classification Sherloc (09022015). Collection method: clinical testing. Allele origin: germline.
Comment: This sequence change replaces threonine with isoleucine at codon 114 of the PRF1 protein (p.Thr114Ile). The threonine residue is moderately conserved and there is a moderate physicochemical difference between threonine and isoleucine. This variant is present in population databases (rs748315806, ExAC 0.002%). This variant has not been reported in the literature in individuals affected with PRF1-related conditions. Algorithms developed to predict the effect of missense changes on protein structure and function output the following: SIFT: "Deleterious"; PolyPhen-2: "Benign"; Align-GVGD: "Class C0". The isoleucine amino acid residue is found in multiple mammalian species, which suggests that this missense change does not adversely affect protein function. In summary, the available evidence is currently insufficient to determine the role of this variant in disease. Therefore, it has been classified as a Variant of Uncertain Significance.

NM_001083116.3(PRF1):c.341C>T (p.Thr114Ile)

Gene: PRF1 (perforin 1; minus strand). Cytogenetic location: 10q22.1.
Variant type: single nucleotide variant.
Coding change: c.341C>T on transcript NM_001083116.3 (MANE Select); coding-DNA position 341, C replaced by T.
Protein change: p.Thr114Ile; replaces threonine 114 with isoleucine.
Molecular consequence: missense variant.
Genome position (GRCh38, 1-based): chr10:70,600,562, G>A on the plus strand (C>T on the coding strand, the complement: PRF1 is on the minus strand). VCF-style: chr10-70600562-G-A. GRCh37 (hg19) VCF-style: chr10-72360318-G-A.
Other names: c.341C>T, p.Thr114Ile (NM_005041.6); short protein forms T114I.
Identifiers: ClinVar variation 1510510 (VCV001510510.5), dbSNP rs748315806, ClinGen allele CA5539073.